The following is an entry in ClinVar:

NM_001017437.5(CCDC157):c.804G>A (p.Pro268=)

Genes: CCDC157 (coiled-coil domain containing 157; plus strand), KIAA1656 (KIAA1656 protein; minus strand). Cytogenetic location: 22q12.2.
Variant type: single nucleotide variant.
Coding change: c.804G>A on transcript NM_001017437.5 (MANE Select); coding-DNA position 804, G replaced by A.
Protein change: p.Pro268=; no amino-acid change (proline 268 retained).
Molecular consequence: synonymous variant. On other transcripts: non-coding transcript variant (1).
Genome position (GRCh38, 1-based): chr22:30,370,709, G>A. VCF-style: chr22-30370709-G-A. GRCh37 (hg19) VCF-style: chr22-30766698-G-A.
Other names: c.804G>A, p.Pro268= (NM_001318334.2).
Identifiers: ClinVar variation 2653057 (VCV002653057.24), dbSNP rs141091935, ClinGen allele CA10180466.

ClinVar aggregate classification (germline): Likely benign (1 of 4 stars; one submission).

Allele frequency attached by ClinVar (database versions not stated): 1000 Genomes Project 0.00120; 1000 Genomes Project 30x 0.00141; gnomAD 0.00322; TOPMed 0.00353; ExAC 0.00457; ESP Exome Variant Server 0.00485.

Submission:

CeGaT Center for Human Genetics Tuebingen
Classification: Likely benign. Last evaluated: 2023-04-01. Review status: criteria provided, single submitter. Criteria: CeGaT Center For Human Genetics Tuebingen Variant Classification Criteria Version 2. Collection method: clinical testing. Allele origin: germline. Affected: yes. Observed: 1 variant allele.
Comment: CCDC157: BP4, BP7, BS2